The following is an entry in ClinVar:

ClinVar aggregate classification (germline): Uncertain significance. Review status: criteria provided, multiple submitters, no conflicts (2 of 4 stars). 5 submissions from 5 submitters: Uncertain significance (4). 1 of the submissions does not count toward it. Last evaluated 2025-05-16.

Conditions:
Fanconi anemia (FA). Also called: Fanconi's anemia. Identifiers: Orphanet 84, MedGen C0015625, MeSH D005199, MONDO:0019391.
Inborn genetic diseases. Identifiers: MedGen C0950123, MeSH D030342.
FANCA-related disorder. Also called: FANCA-related condition.
Fanconi anemia complementation group A (FANCA). Also called: Fanconi anemia, group A; FANCA-Related Fanconi Anemia. Identifiers: Orphanet 84, MedGen C3469521, MONDO:0009215, OMIM 227650.

Allele frequency attached by ClinVar (database versions not stated): ExAC 0.00002; gnomAD exomes 0.00002; TOPMed 0.00005.
gnomAD v4.1: 13 of 1,614,148 alleles (0.00081%); highest among the groups gnomAD compares: African/African-American, 0.017%; no homozygotes.

Submissions (5):

Labcorp Genetics (formerly Invitae), Labcorp
Classification: Uncertain significance for Fanconi anemia. Last evaluated: 2025-05-16. Review status: criteria provided, single submitter. Criteria: Invitae Variant Classification Sherloc (09022015). Collection method: clinical testing. Allele origin: germline.
Comment: This sequence change replaces proline, which is neutral and non-polar, with threonine, which is neutral and polar, at codon 1408 of the FANCA protein (p.Pro1408Thr). This variant is present in population databases (rs767206558, gnomAD 0.03%). This variant has not been reported in the literature in individuals affected with FANCA-related conditions. ClinVar contains an entry for this variant (Variation ID: 1692226). Invitae Evidence Modeling of protein sequence and biophysical properties (such as structural, functional, and spatial information, amino acid conservation, physicochemical variation, residue mobility, and thermodynamic stability) has been performed for this missense variant. However, the output from this modeling did not meet the statistical confidence thresholds required to predict the impact of this variant on FANCA protein function. In summary, the available evidence is currently insufficient to determine the role of this variant in disease. Therefore, it has been classified as a Variant of Uncertain Significance.

Ambry Genetics
Classification: Uncertain significance for Inborn genetic diseases. Last evaluated: 2024-12-02. Review status: criteria provided, single submitter. Criteria: Ambry Variant Classification Scheme 2023. Collection method: clinical testing. Allele origin: germline.
Comment: The p.P1408T variant (also known as c.4222C>A), located in coding exon 42 of the FANCA gene, results from a C to A substitution at nucleotide position 4222. The proline at codon 1408 is replaced by threonine, an amino acid with highly similar properties. This amino acid position is conserved. In addition, this alteration is predicted to be deleterious by in silico analysis. Based on the available evidence, the clinical significance of this variant remains unclear.

Fulgent Genetics
Classification: Uncertain significance for Fanconi anemia complementation group A. Last evaluated: 2024-06-12. Review status: criteria provided, single submitter. Criteria: ACMG Guidelines, 2015. Collection method: clinical testing. Allele origin: germline.

Sema4
Classification: Uncertain significance for Fanconi anemia. Last evaluated: 2021-04-29. Review status: criteria provided, single submitter. Criteria: Sema4 Curation Guidelines. Collection method: curation. Allele origin: germline.
Comment: The FANCA c.4222C>A (p.P1408T) variant has not been reported in the literature to our knowledge. It was observed in 7/24974 chromosomes of the African/African American subpopulation in the large and broad cohorts of the Genome Aggregation Database. The variant has not been reported in ClinVar. In silico tools suggest the impact of the variant on protein function is inconclusive, though these predictions have not been confirmed by functional studies. The evidence is insufficient to meet ACMG/AMP criteria for classifying the variant as benign or pathogenic. Thus, the clinical significance of this variant is currently uncertain.

PreventionGenetics, part of Exact Sciences
Classification: Uncertain significance for FANCA-related condition. Last evaluated: 2024-08-06. Review status: no assertion criteria provided. Collection method: clinical testing. Allele origin: germline. Not counted in ClinVar's aggregate classification.
Comment: The FANCA c.4222C>A variant is predicted to result in the amino acid substitution p.Pro1408Thr. To our knowledge, this variant has not been reported in the literature. This variant is reported in 0.028% of alleles in individuals of African descent in gnomAD. This variant is interpreted as a variant of uncertain significance in ClinVar. At this time, the clinical significance of this variant is uncertain due to the absence of conclusive functional and genetic evidence.

NM_000135.4(FANCA):c.4222C>A (p.Pro1408Thr)

Genes: ZNF276 (zinc finger protein 276; plus strand), FANCA (FA complementation group A; minus strand). Cytogenetic location: 16q24.3.
Variant type: single nucleotide variant.
Coding change: c.4222C>A on transcript NM_000135.4 (MANE Select); coding-DNA position 4222, C replaced by A.
Protein change: p.Pro1408Thr; replaces proline 1408 with threonine.
Molecular consequence: missense variant. On other transcripts: 3 prime UTR variant (2), non-coding transcript variant (4).
Genome position (GRCh38, 1-based): chr16:89,738,920, G>T on the plus strand (C>A on the coding strand, the complement: FANCA is on the minus strand). VCF-style: chr16-89738920-G-T. GRCh37 (hg19) VCF-style: chr16-89805328-G-T.
Other names: c.4226C>A, p.Thr1409Asn (NM_001286167.3); c.*674G>T (NM_001113525.2, NM_152287.4); short protein forms P1408T, T1409N.
Identifiers: ClinVar variation 1692226 (VCV001692226.9), dbSNP rs767206558, ClinGen allele CA8250684.
Genomic context (GRCh38, chr16:89,738,920, plus strand): 5'-AAGGTGGGCATCTTGACGTTACCTCTGCCACGTGTGAGAAGCTCTTTTTCGGGCACCGAG[G>T]TATTAACTGCAGCAGAAAAAGACGAGCTTTTGTTATCAGTTCCACGGGGTTGCCCTAGAG-3'
Protein context (NP_000126.2, residues 1398-1418): KARLFLLQLI[Pro1408Thr]RCPKKSFSHV